The following is an entry in ClinVar:

ClinVar aggregate classification (germline): Conflicting classifications of pathogenicity. Review status: criteria provided, conflicting classifications (1 of 4 stars). 5 submissions from 5 submitters: Uncertain significance (2); Likely benign (3). Last evaluated 2026-09-21.

Conditions:
Cardiovascular phenotype. Identifiers: MedGen CN230736.
Progressive familial heart block type IB (PFHB1B). Identifiers: Orphanet 871, MedGen C1970298, MONDO:0011474, OMIM 604559.

Allele frequency attached by ClinVar (database versions not stated): gnomAD exomes 0.00003 and 0.00005; ExAC 0.00006; TOPMed 0.00011; gnomAD 0.00007; ESP Exome Variant Server 0.00015.
gnomAD v4.1: 52 of 1,612,172 alleles (0.0032%); highest among the groups gnomAD compares: Middle Eastern, 0.099%; 1 homozygote.

Submissions (5):

Molecular Diagnostic Laboratory for Inherited Cardiovascular Disease, Montreal Heart Institute
Classification: Likely benign. Last evaluated: 2026-09-21. Review status: criteria provided, single submitter. Criteria: ACMG Guidelines, 2015. Collection method: clinical testing. Allele origin: germline. Affected: no.
Comment: BP4

Labcorp Genetics (formerly Invitae), Labcorp
Classification: Likely benign for Progressive familial heart block type IB. Last evaluated: 2026-01-11. Review status: criteria provided, single submitter. Criteria: Invitae Variant Classification Sherloc (09022015). Collection method: clinical testing. Allele origin: germline.

Ambry Genetics
Classification: Uncertain significance for Cardiovascular phenotype. Last evaluated: 2025-01-13. Review status: criteria provided, single submitter. Criteria: Ambry Variant Classification Scheme 2023. Collection method: clinical testing. Allele origin: germline.
Comment: The c.2779-5C>T intronic variant results from a C to T substitution 5 nucleotides upstream from coding exon 19 in the TRPM4 gene. This nucleotide position is poorly conserved in available vertebrate species. In silico splice site analysis predicts that this alteration will not have any significant effect on splicing. Based on the available evidence, the clinical significance of this variant remains unclear.

Illumina Laboratory Services, Illumina
Classification: Uncertain significance for Progressive familial heart block type IB. Last evaluated: 2018-01-12. Review status: criteria provided, single submitter. Criteria: ICSL Variant Classification Criteria 13 December 2019. Collection method: clinical testing. Allele origin: germline.

GeneDx
Classification: Likely benign. Last evaluated: 2017-02-02. Review status: criteria provided, single submitter. Criteria: GeneDx Variant Classification (06012015). Collection method: clinical testing. Allele origin: germline. Affected: yes.
Comment: This variant is considered likely benign or benign based on one or more of the following criteria: it is a conservative change, it occurs at a poorly conserved position in the protein, it is predicted to be benign by multiple in silico algorithms, and/or has population frequency not consistent with disease.

NM_017636.4(TRPM4):c.2779-5C>T

Gene: TRPM4 (transient receptor potential cation channel subfamily M member 4; plus strand). Cytogenetic location: 19q13.33.
Variant type: single nucleotide variant.
Coding change: c.2779-5C>T on transcript NM_017636.4 (MANE Select); 5 bases into the intron before coding-DNA position 2779, C replaced by T.
Molecular consequence: intron variant.
Genome position (GRCh38, 1-based): chr19:49,200,606, C>T. VCF-style: chr19-49200606-C-T. GRCh37 (hg19) VCF-style: chr19-49703863-C-T.
Other names: c.2344-5C>T (NM_001195227.2); c.1171-5C>T (NM_001321282.2); c.2434-5C>T (NM_001321281.2); c.2257-5C>T (NM_001321283.2); c.1717-5C>T (NM_001321285.2).
Identifiers: ClinVar variation 329867 (VCV000329867.22), dbSNP rs374639233, ClinGen allele CA9569677.